The following is an entry in ClinVar:

ClinVar aggregate classification (germline): Uncertain significance. Review status: criteria provided, multiple submitters, no conflicts (2 of 4 stars). 2 submissions from 2 submitters: Uncertain significance (2). Last evaluated 2024-12-26.

Conditions:
Hereditary nonpolyposis colon cancer (HNPCC). Also called: Hereditary Nonpolyposis Colorectal Cancer Syndrome; Hereditary nonpolyposis colorectal cancer; Familial nonpolyposis colon cancer. Identifiers: Orphanet 443909, MedGen C1333990, MONDO:0018630. Disease mechanism: loss of function.

Allele frequency attached by ClinVar (database versions not stated): gnomAD exomes 0.00001.
gnomAD v4.1: 4 of 1,613,864 alleles (0.00025%); highest among the groups gnomAD compares: Non-Finnish European, 0.00025%; no homozygotes.

Submissions (2):

Ambry Genetics
Classification: Uncertain significance. Last evaluated: 2024-12-26. Review status: criteria provided, single submitter. Criteria: Ambry Variant Classification Scheme 2023. Collection method: clinical testing. Allele origin: germline.
Comment: The p.A37G variant (also known as c.110C>G), located in coding exon 3 of the RPS20 gene, results from a C to G substitution at nucleotide position 110. The alanine at codon 37 is replaced by glycine, an amino acid with similar properties. This amino acid position is highly conserved in available vertebrate species. In addition, the in silico prediction for this alteration is inconclusive. The evidence for this gene-disease relationship is limited; therefore, the clinical significance of this alteration is unclear.

Baylor Genetics
Classification: Uncertain significance for Hereditary Nonpolyposis Colorectal Cancer. Last evaluated: 2023-11-21. Review status: criteria provided, single submitter. Criteria: ACMG Guidelines, 2015. Collection method: clinical testing. Allele origin: unknown.

NM_001023.4(RPS20):c.110C>G (p.Ala37Gly)

Gene: RPS20 (ribosomal protein S20; minus strand). Cytogenetic location: 8q12.1.
Variant type: single nucleotide variant.
Coding change: c.110C>G on transcript NM_001023.4 (MANE Select); coding-DNA position 110, C replaced by G.
Protein change: p.Ala37Gly; replaces alanine 37 with glycine.
Molecular consequence: missense variant.
Genome position (GRCh38, 1-based): chr8:56,073,762, G>C on the plus strand (C>G on the coding strand, the complement: RPS20 is on the minus strand). VCF-style: chr8-56073762-G-C. GRCh37 (hg19) VCF-style: chr8-56986321-G-C.
Other names: c.110C>G, p.Ala37Gly (NM_001146227.3); c.110C>G (NM_001023.3); short protein forms A37G.
Identifiers: ClinVar variation 3240379 (VCV003240379.2), dbSNP rs1467125889.